The following is an entry in ClinVar:

ClinVar aggregate classification (germline): Benign (1 of 4 stars; one submission).

Allele frequency attached by ClinVar (database versions not stated): gnomAD exomes 0.56773; gnomAD 0.66765 and 0.67075; TOPMed 0.67121; 1000 Genomes Project 0.67532; 1000 Genomes Project 30x 0.67598.
gnomAD v4.1: 383,298 of 647,262 alleles (59%); highest among the groups gnomAD compares: African/African-American, 78%; 123,652 homozygotes.

Submission:

GeneDx
Classification: Benign. Last evaluated: 2018-06-16. Review status: criteria provided, single submitter. Criteria: GeneDx Variant Classification (06012015). Collection method: clinical testing. Allele origin: germline. Affected: yes.
Comment: This variant is considered likely benign or benign based on one or more of the following criteria: it is a conservative change, it occurs at a poorly conserved position in the protein, it is predicted to be benign by multiple in silico algorithms, and/or has population frequency not consistent with disease.

NM_006031.6(PCNT):c.720+110A>C

Gene: PCNT (pericentrin; plus strand). Cytogenetic location: 21q22.3.
Variant type: single nucleotide variant.
Coding change: c.720+110A>C on transcript NM_006031.6 (MANE Select); 110 bases into the intron after coding-DNA position 720, A replaced by C.
Molecular consequence: intron variant.
Genome position (GRCh38, 1-based): chr21:46,346,318, A>C. VCF-style: chr21-46346318-A-C. GRCh37 (hg19) VCF-style: chr21-47766232-A-C.
Other names: c.366+110A>C (NM_001315529.2).
Identifiers: ClinVar variation 667797 (VCV000667797.1), dbSNP rs9979907, ClinGen allele CA14894619.
Genomic context (GRCh38, chr21:46,346,318, plus strand): 5'-CACAGGGCACAGTGGGCATCCGGGTGGGGGTGGGGTGGGCGCTGCCATCTCCTTTCTCTG[A>C]GTTGTCTGTTTCCACGTTCTGTGTGTGGGGCCATCAGCAGGGCCGGTGGAGGAGACACAC-3'